The following is an entry in ClinVar:

NC_000016.9:g.(?_89167090)_(89169187_?)del

Gene: ACSF3 (acyl-CoA synthetase family member 3; plus strand). Cytogenetic location: 16q24.3.
Variant type: Deletion.
Identifiers: ClinVar variation 2427529 (VCV002427529.3).

ClinVar aggregate classification (germline): Pathogenic (1 of 4 stars; one submission).

Conditions:
Combined malonic and methylmalonic acidemia. Identifiers: Orphanet 289504, MedGen C3280314, MONDO:0013661, OMIM 614265.

Submission:

Labcorp Genetics (formerly Invitae), Labcorp
Classification: Pathogenic for Combined malonic and methylmalonic acidemia. Last evaluated: 2022-06-12. Review status: criteria provided, single submitter. Criteria: Invitae Variant Classification Sherloc (09022015). Collection method: clinical testing. Allele origin: germline.
Comment: This variant is a gross deletion of the genomic region encompassing exon(s) 3-4 of the ACSF3 gene, which includes the initiator codon. This deletion extends beyond the assayed region for this gene and therefore may encompass additional genes. It is expected to result in an absent or disrupted protein product. Loss-of-function variants in ACSF3 are known to be pathogenic (PMID: 21841779, 26827111). This variant has not been reported in the literature in individuals affected with ACSF3-related conditions. For these reasons, this variant has been classified as Pathogenic.

Literature cited by the submitters: PubMed 21841779; PubMed 26827111.